The following is an entry in ClinVar:

NM_014520.4(MYBBP1A):c.358G>C (p.Asp120His)

Gene: MYBBP1A (MYB binding protein 1a; minus strand). Cytogenetic location: 17p13.2.
Variant type: single nucleotide variant.
Coding change: c.358G>C on transcript NM_014520.4 (MANE Select); coding-DNA position 358, G replaced by C.
Protein change: p.Asp120His; replaces aspartic acid 120 with histidine.
Molecular consequence: missense variant.
Genome position (GRCh38, 1-based): chr17:4,554,215, C>G on the plus strand (G>C on the coding strand, the complement: MYBBP1A is on the minus strand). VCF-style: chr17-4554215-C-G. GRCh37 (hg19) VCF-style: chr17-4457510-C-G.
Other names: c.358G>C, p.Asp120His (NM_001105538.2); short protein forms D120H.
Identifiers: ClinVar variation 2647265 (VCV002647265.24), dbSNP rs142004671, ClinGen allele CA8305640.

ClinVar aggregate classification (germline): Likely benign (1 of 4 stars; one submission).

Allele frequency attached by ClinVar (database versions not stated): 1000 Genomes Project 0.00200; 1000 Genomes Project 30x 0.00219; TOPMed 0.00539; gnomAD 0.00621; ESP Exome Variant Server 0.00761; ExAC 0.00782; gnomAD exomes 0.00794.
gnomAD v4.1: 12,573 of 1,613,932 alleles (0.78%); highest among the groups gnomAD compares: Middle Eastern, 1.1%; 85 homozygotes.

Submission:

CeGaT Center for Human Genetics Tuebingen
Classification: Likely benign. Last evaluated: 2023-03-01. Review status: criteria provided, single submitter. Criteria: CeGaT Center For Human Genetics Tuebingen Variant Classification Criteria Version 2. Collection method: clinical testing. Allele origin: germline. Affected: yes. Observed: 2 variant alleles.
Comment: MYBBP1A: BP4, BS2